The following is an entry in ClinVar:

ClinVar aggregate classification (germline): Likely pathogenic (1 of 4 stars; one submission).

Conditions:
Alport syndrome. Also called: Hemorrhagic familial nephritis; Hemorrhagic hereditary nephritis; Congenital hereditary hematuria. Identifiers: Orphanet 63, MedGen C1567741, MONDO:0018965.

Submission:

Natera, Inc.
Classification: Likely pathogenic for Alport syndrome. Last evaluated: 2025-09-04. Review status: criteria provided, single submitter. Criteria: Natera Variant Classification Schema (03/2026). Collection method: clinical testing. Allele origin: germline.
Comment: The c.1769G>T variant in COL4A4 is a missense variant predicted to cause substitution of glycine to valine at amino acid 590. This variant is rare in the general population with a frequency below the threshold expected for the associated phenotype(s). This variant is located in a functionally critical region of the protein. Computational prediction algorithms indicate this variant is likely to affect gene or protein function. Given the available evidence, this variant is classified as Likely Pathogenic.

NM_000092.5(COL4A4):c.1769G>T (p.Gly590Val)

Gene: COL4A4 (collagen type IV alpha 4 chain; minus strand). Cytogenetic location: 2q36.3.
Variant type: single nucleotide variant.
Coding change: c.1769G>T on transcript NM_000092.5 (MANE Select); coding-DNA position 1769, G replaced by T.
Protein change: p.Gly590Val; replaces glycine 590 with valine.
Molecular consequence: missense variant.
Genome position (GRCh38, 1-based): chr2:227,080,477, C>A on the plus strand (G>T on the coding strand, the complement: COL4A4 is on the minus strand). VCF-style: chr2-227080477-C-A. GRCh37 (hg19) VCF-style: chr2-227945193-C-A.
Other names: short protein forms G590V.
Identifiers: ClinVar variation 4817295 (VCV004817295.1).